The following is an entry in ClinVar:

NM_152383.5(DIS3L2):c.143G>A (p.Ser48Asn)

Gene: DIS3L2 (DIS3 like 3'-5' exoribonuclease 2; plus strand). Cytogenetic location: 2q37.1.
Variant type: single nucleotide variant.
Coding change: c.143G>A on transcript NM_152383.5 (MANE Select); coding-DNA position 143, G replaced by A.
Protein change: p.Ser48Asn; replaces serine 48 with asparagine.
Molecular consequence: missense variant. On other transcripts: non-coding transcript variant (2).
Genome position (GRCh38, 1-based): chr2:232,015,604, G>A. VCF-style: chr2-232015604-G-A. GRCh37 (hg19) VCF-style: chr2-232880314-G-A.
Other names: c.143G>A, p.Ser48Asn (NM_001257281.2, NM_001257282.2); short protein forms S48N.
Identifiers: ClinVar variation 1051301 (VCV001051301.10), dbSNP rs754408232, ClinGen allele CA2163731.

ClinVar aggregate classification (germline): Conflicting classifications of pathogenicity. Review status: criteria provided, conflicting classifications (1 of 4 stars). 2 submissions from 2 submitters: Uncertain significance (1); Likely benign (1). Last evaluated 2023-08-04.

Conditions:
Perlman syndrome (PRLMNS). Identifiers: Orphanet 2849, MedGen C0796113, MONDO:0009965, OMIM 267000.

Allele frequency attached by ClinVar (database versions not stated): TOPMed below 0.00001; gnomAD exomes 0.00001 and 0.00002; ExAC 0.00002.
gnomAD v4.1: 13 of 1,614,084 alleles (0.00081%); highest among the groups gnomAD compares: Middle Eastern, 0.15%; 1 homozygote.

Submissions (2):

Labcorp Genetics (formerly Invitae), Labcorp
Classification: Uncertain significance for Perlman syndrome. Last evaluated: 2023-08-04. Review status: criteria provided, single submitter. Criteria: Invitae Variant Classification Sherloc (09022015). Collection method: clinical testing. Allele origin: germline.
Comment: This sequence change replaces serine, which is neutral and polar, with asparagine, which is neutral and polar, at codon 48 of the DIS3L2 protein (p.Ser48Asn). This variant is present in population databases (rs754408232, gnomAD 0.003%). This variant has not been reported in the literature in individuals affected with DIS3L2-related conditions. ClinVar contains an entry for this variant (Variation ID: 1051301). Algorithms developed to predict the effect of missense changes on protein structure and function output the following: SIFT: "Not Available"; PolyPhen-2: "Benign"; Align-GVGD: "Not Available". The asparagine amino acid residue is found in multiple mammalian species, which suggests that this missense change does not adversely affect protein function. In summary, the available evidence is currently insufficient to determine the role of this variant in disease. Therefore, it has been classified as a Variant of Uncertain Significance.

Blueprint Genetics
Classification: Likely benign. Last evaluated: 2023-02-10. Review status: criteria provided, single submitter. Criteria: ACMG Guidelines, 2015. Collection method: clinical testing. Allele origin: germline.